The following is an entry in ClinVar:

NM_001127511.3(APC):c.124G>A (p.Gly42Ser)

Gene: APC (APC regulator of Wnt signaling pathway; plus strand). Cytogenetic location: 5q22.2.
Variant type: single nucleotide variant.
Coding change: c.124G>A on transcript NM_001127511.3; coding-DNA position 124, G replaced by A.
Protein change: p.Gly42Ser; replaces glycine 42 with serine.
Molecular consequence: missense variant. On other transcripts: 5 prime UTR variant (8), non-coding transcript variant (1), intron variant (5).
Genome position (GRCh38, 1-based): chr5:112,707,841, G>A. VCF-style: chr5-112707841-G-A. GRCh37 (hg19) VCF-style: chr5-112043538-G-A.
Other names: c.-60G>A (NM_001407469.1, NM_001354895.2, NM_001407447.1 and 3 more transcripts); c.-1095G>A (NM_001407470.1, NM_001407472.1); c.-19+192G>A (NM_001407448.1, NM_001407450.1, NM_001407457.1 and 1 more transcripts); c.-43+192G>A (NM_001407453.1); c.124G>A, p.Gly42Ser (NM_001354897.2, NM_001354902.2, NM_001407446.1); short protein forms G42S.
Identifiers: ClinVar variation 371913 (VCV000371913.10), dbSNP rs1057517582, ClinGen allele CA16042080.

ClinVar aggregate classification (germline): Uncertain significance. Review status: criteria provided, single submitter (1 of 4 stars). 2 submissions from 2 submitters: Uncertain significance (1). 1 of the submissions does not count toward it. Last evaluated 2023-07-17.

Conditions:
Familial adenomatous polyposis 1 (FAP1). Also called: POLYPOSIS, ADENOMATOUS INTESTINAL; FAMILIAL ADENOMATOUS POLYPOSIS 1, ATTENUATED. Identifiers: MedGen C2713442, MONDO:0021056, OMIM 175100. Disease mechanism: loss of function.

Submissions (2):

Labcorp Genetics (formerly Invitae), Labcorp
Classification: Uncertain significance for Familial adenomatous polyposis 1. Last evaluated: 2023-07-17. Review status: criteria provided, single submitter. Criteria: Invitae Variant Classification Sherloc (09022015). Collection method: clinical testing. Allele origin: germline.
Comment: This variant has not been reported in the literature in individuals affected with APC-related conditions. In summary, the available evidence is currently insufficient to determine the role of this variant in disease. Therefore, it has been classified as a Variant of Uncertain Significance. Experimental studies and prediction algorithms are not available or were not evaluated, and the functional significance of this variant is currently unknown. ClinVar contains an entry for this variant (Variation ID: 371913). This variant is not present in population databases (gnomAD no frequency). This variant occurs in a non-coding region of the APC gene. It does not change the encoded amino acid sequence of the APC protein.

Counsyl
Classification: Uncertain significance for Familial adenomatous polyposis 1. Last evaluated: 2016-08-12. Review status: no assertion criteria provided. Collection method: clinical testing. Allele origin: unknown. Not counted in ClinVar's aggregate classification.